The following is an entry in ClinVar:

ClinVar aggregate classification (germline): Uncertain significance (1 of 4 stars; one submission).

gnomAD v4.1: 2 of 1,477,482 alleles (0.00014%); highest among the groups gnomAD compares: Non-Finnish European, 0.00018%; no homozygotes.

Submission:

Labcorp Genetics (formerly Invitae), Labcorp
Classification: Uncertain significance. Last evaluated: 2024-04-16. Review status: criteria provided, single submitter. Criteria: Invitae Variant Classification Sherloc (09022015). Collection method: clinical testing. Allele origin: germline.
Comment: This sequence change replaces tryptophan, which is neutral and slightly polar, with arginine, which is basic and polar, at codon 874 of the AP3D1 protein (p.Trp874Arg). This variant is not present in population databases (gnomAD no frequency). This variant has not been reported in the literature in individuals affected with AP3D1-related conditions. Algorithms developed to predict the effect of missense changes on protein structure and function output the following: SIFT: "Not Available"; PolyPhen-2: "Possibly Damaging"; Align-GVGD: "Not Available". The arginine amino acid residue is found in multiple mammalian species, which suggests that this missense change does not adversely affect protein function. In summary, the available evidence is currently insufficient to determine the role of this variant in disease. Therefore, it has been classified as a Variant of Uncertain Significance.

NM_001261826.3(AP3D1):c.2620T>C (p.Trp874Arg)

Gene: AP3D1 (adaptor related protein complex 3 subunit delta 1; minus strand). Cytogenetic location: 19p13.3.
Variant type: single nucleotide variant.
Coding change: c.2620T>C on transcript NM_001261826.3 (MANE Select); coding-DNA position 2620, T replaced by C.
Protein change: p.Trp874Arg; replaces tryptophan 874 with arginine.
Molecular consequence: missense variant. On other transcripts: intron variant (1).
Genome position (GRCh38, 1-based): chr19:2,113,395, A>G on the plus strand (T>C on the coding strand, the complement: AP3D1 is on the minus strand). VCF-style: chr19-2113395-A-G. GRCh37 (hg19) VCF-style: chr19-2113394-A-G.
Other names: c.2620T>C, p.Trp874Arg (NM_001374799.1); c.2601+730T>C (NM_003938.8); short protein forms W874R.
Identifiers: ClinVar variation 3681333 (VCV003681333.2).